The following is an entry in ClinVar:

ClinVar aggregate classification (germline): Uncertain significance (1 of 4 stars; one submission).

Conditions:
Progressive familial heart block type IB (PFHB1B). Identifiers: Orphanet 871, MedGen C1970298, MONDO:0011474, OMIM 604559.

Allele frequency attached by ClinVar (database versions not stated): TOPMed below 0.00001.

Submission:

Labcorp Genetics (formerly Invitae), Labcorp
Classification: Uncertain significance for Progressive familial heart block type IB. Last evaluated: 2023-01-15. Review status: criteria provided, single submitter. Criteria: Invitae Variant Classification Sherloc (09022015). Collection method: clinical testing. Allele origin: germline.
Comment: This sequence change replaces alanine, which is neutral and non-polar, with valine, which is neutral and non-polar, at codon 320 of the TRPM4 protein (p.Ala320Val). This variant is not present in population databases (gnomAD no frequency). This variant has not been reported in the literature in individuals affected with TRPM4-related conditions. ClinVar contains an entry for this variant (Variation ID: 967681). Algorithms developed to predict the effect of missense changes on protein structure and function (SIFT, PolyPhen-2, Align-GVGD) all suggest that this variant is likely to be tolerated. In summary, the available evidence is currently insufficient to determine the role of this variant in disease. Therefore, it has been classified as a Variant of Uncertain Significance.

NM_017636.4(TRPM4):c.959C>T (p.Ala320Val)

Gene: TRPM4 (transient receptor potential cation channel subfamily M member 4; plus strand). Cytogenetic location: 19q13.33.
Variant type: single nucleotide variant.
Coding change: c.959C>T on transcript NM_017636.4 (MANE Select); coding-DNA position 959, C replaced by T.
Protein change: p.Ala320Val; replaces alanine 320 with valine.
Molecular consequence: missense variant. On other transcripts: 5 prime UTR variant (1).
Genome position (GRCh38, 1-based): chr19:49,171,678, C>T. VCF-style: chr19-49171678-C-T. GRCh37 (hg19) VCF-style: chr19-49674935-C-T.
Other names: c.959C>T, p.Ala320Val (NM_001195227.2); c.614C>T, p.Ala205Val (NM_001321281.2); c.-595C>T (NM_001321282.2); c.437C>T, p.Ala146Val (NM_001321283.2); c.110C>T, p.Ala37Val (NM_001321285.2); short protein forms A37V, A320V, A205V, A146V.
Identifiers: ClinVar variation 967681 (VCV000967681.9), dbSNP rs1967462971, ClinGen allele CA406794152.